The following is an entry in ClinVar:

NM_004999.4(MYO6):c.2507G>A (p.Arg836His)

Gene: MYO6 (myosin VI; plus strand). Cytogenetic location: 6q14.1.
Variant type: single nucleotide variant.
Coding change: c.2507G>A on transcript NM_004999.4 (MANE Select); coding-DNA position 2507, G replaced by A.
Protein change: p.Arg836His; replaces arginine 836 with histidine.
Molecular consequence: missense variant. On other transcripts: non-coding transcript variant (1).
Genome position (GRCh38, 1-based): chr6:75,886,094, G>A. VCF-style: chr6-75886094-G-A. GRCh37 (hg19) VCF-style: chr6-76595811-G-A.
Other names: c.2507G>A, p.Arg836His (NM_001300899.2, NM_001368136.1, NM_001368137.1 and 2 more transcripts); c.2492G>A, p.Arg831His (NM_001368138.1); short protein forms R836H, R831H.
Identifiers: ClinVar variation 228992 (VCV000228992.6), dbSNP rs876657909, ClinGen allele CA10576707.

ClinVar aggregate classification (germline): Uncertain significance. Review status: criteria provided, multiple submitters, no conflicts (2 of 4 stars). 3 submissions from 3 submitters: Uncertain significance (3). Last evaluated 2025-10-03.

Allele frequency attached by ClinVar (database versions not stated): gnomAD 0.00001.
gnomAD v4.1: 6 of 1,598,236 alleles (0.00038%); highest among the groups gnomAD compares: Non-Finnish European, 0.00051%; no homozygotes.

Submissions (3):

Labcorp Genetics (formerly Invitae), Labcorp
Classification: Uncertain significance. Last evaluated: 2025-10-03. Review status: criteria provided, single submitter. Criteria: Invitae Variant Classification Sherloc (09022015). Collection method: clinical testing. Allele origin: germline.
Comment: This sequence change replaces arginine, which is basic and polar, with histidine, which is basic and polar, at codon 836 of the MYO6 protein (p.Arg836His). This variant also falls at the last nucleotide of exon 24, which is part of the consensus splice site for this exon. This variant is not present in population databases (gnomAD no frequency). This missense change has been observed in individual(s) with deafness (PMID: 29048421). ClinVar contains an entry for this variant (Variation ID: 228992). Experimental studies and prediction algorithms are not available or were not evaluated, and the functional significance of this variant is currently unknown. Variants that disrupt the consensus splice site are a relatively common cause of aberrant splicing (PMID: 17576681, 9536098). Algorithms developed to predict the effect of sequence changes on RNA splicing suggest that this variant may disrupt the consensus splice site. In summary, the available evidence is currently insufficient to determine the role of this variant in disease. Therefore, it has been classified as a Variant of Uncertain Significance.

Blueprint Genetics
Classification: Uncertain significance. Last evaluated: 2023-05-19. Review status: criteria provided, single submitter. Criteria: ACMG Guidelines, 2015. Collection method: clinical testing. Allele origin: germline.

Laboratory for Molecular Medicine, Mass General Brigham Personalized Medicine
Classification: Uncertain significance. Last evaluated: 2015-03-30. Review status: criteria provided, single submitter. Criteria: LMM Criteria. Collection method: clinical testing. Allele origin: germline. Observed: 4 variant alleles.
Comment: Variant classified as Uncertain Significance - Favor Pathogenic. The c.2507G>A ( p.Arg836His) variant in MYO6 has not been previously reported in individuals wit h hearing loss and was absent from large population studies. This variant is loc ated at the last base of exon 24, which is a conserved nucleotide within the 5' splice site consensus region. Computational tools suggest a possible impact to s plicing; however, this information is not predictive enough to determine pathoge nicity. Additional computational prediction tools and conservation analyses do n ot provide strong support for or against an impact to the protein. In summary, w hile there is some suspicion for a pathogenic role, the clinical significance of this variant is uncertain.

Literature cited by the submitters: PubMed 29048421 (cited by Labcorp Genetics (formerly Invitae), Labcorp); PubMed 17576681 (cited by Labcorp Genetics (formerly Invitae), Labcorp); PubMed 9536098 (cited by Labcorp Genetics (formerly Invitae), Labcorp).